The following is an entry in ClinVar:

NM_021629.4(GNB4):c.367A>G (p.Ile123Val)

Gene: GNB4 (G protein subunit beta 4; minus strand). Cytogenetic location: 3q26.33.
Variant type: single nucleotide variant.
Coding change: c.367A>G on transcript NM_021629.4 (MANE Select); coding-DNA position 367, A replaced by G.
Protein change: p.Ile123Val; replaces isoleucine 123 with valine.
Molecular consequence: missense variant.
Genome position (GRCh38, 1-based): chr3:179,414,948, T>C on the plus strand (A>G on the coding strand, the complement: GNB4 is on the minus strand). VCF-style: chr3-179414948-T-C. GRCh37 (hg19) VCF-style: chr3-179132736-T-C.
Other names: p.Ile123Val; short protein forms I123V.
Identifiers: ClinVar variation 1111455 (VCV001111455.10), dbSNP rs760551965, ClinGen allele CA2712509.

ClinVar aggregate classification (germline): Likely benign. Review status: criteria provided, multiple submitters, no conflicts (2 of 4 stars). 2 submissions from 2 submitters: Likely benign (2). Last evaluated 2025-10-23.

Conditions:
Charcot-Marie-Tooth disease dominant intermediate F. Identifiers: Orphanet 352670, MedGen C4749463, MONDO:0014074, OMIM 615185.

Allele frequency attached by ClinVar (database versions not stated): gnomAD 0.00003 and 0.00004.
gnomAD v4.1: 39 of 1,611,694 alleles (0.0024%); highest among the groups gnomAD compares: Admixed American, 0.04%; no homozygotes.

Submissions (2):

Mayo Clinic Laboratories, Mayo Clinic
Classification: Likely benign. Last evaluated: 2025-10-23. Review status: criteria provided, single submitter. Criteria: ACMG Guidelines, 2015. Collection method: clinical testing. Allele origin: germline. Observed: 1 variant allele.
Comment: BS2, BP4

Labcorp Genetics (formerly Invitae), Labcorp
Classification: Likely benign for Charcot-Marie-Tooth disease dominant intermediate F. Last evaluated: 2024-03-07. Review status: criteria provided, single submitter. Criteria: Invitae Variant Classification Sherloc (09022015). Collection method: clinical testing. Allele origin: germline.